The following is an entry in ClinVar:

NM_003901.4(SGPL1):c.463A>G (p.Lys155Glu)

Gene: SGPL1 (sphingosine-1-phosphate lyase 1; plus strand). Cytogenetic location: 10q22.1.
Variant type: single nucleotide variant.
Coding change: c.463A>G on transcript NM_003901.4 (MANE Select); coding-DNA position 463, A replaced by G.
Protein change: p.Lys155Glu; replaces lysine 155 with glutamic acid.
Molecular consequence: missense variant.
Genome position (GRCh38, 1-based): chr10:70,857,667, A>G. VCF-style: chr10-70857667-A-G. GRCh37 (hg19) VCF-style: chr10-72617424-A-G.
Other names: c.463A>G (NM_003901.3); short protein forms K155E.
Identifiers: ClinVar variation 1425072 (VCV001425072.6), dbSNP rs567868498, ClinGen allele CA5541190.

ClinVar aggregate classification (germline): Uncertain significance. Review status: criteria provided, multiple submitters, no conflicts (2 of 4 stars). 2 submissions from 2 submitters: Uncertain significance (2). Last evaluated 2024-11-13.

Allele frequency attached by ClinVar (database versions not stated): ExAC 0.00001; gnomAD 0.00001; 1000 Genomes Project 30x 0.00016; 1000 Genomes Project 0.00020.
gnomAD v4.1: 15 of 1,612,358 alleles (0.00093%); highest among the groups gnomAD compares: Admixed American, 0.0017%; no homozygotes.

Submissions (2):

Labcorp Genetics (formerly Invitae), Labcorp
Classification: Uncertain significance. Last evaluated: 2024-11-13. Review status: criteria provided, single submitter. Criteria: Invitae Variant Classification Sherloc (09022015). Collection method: clinical testing. Allele origin: germline.
Comment: This sequence change replaces lysine, which is basic and polar, with glutamic acid, which is acidic and polar, at codon 155 of the SGPL1 protein (p.Lys155Glu). This variant is present in population databases (rs567868498, gnomAD 0.007%). This variant has not been reported in the literature in individuals affected with SGPL1-related conditions. ClinVar contains an entry for this variant (Variation ID: 1425072). Invitae Evidence Modeling of protein sequence and biophysical properties (such as structural, functional, and spatial information, amino acid conservation, physicochemical variation, residue mobility, and thermodynamic stability) indicates that this missense variant is not expected to disrupt SGPL1 protein function with a negative predictive value of 80%. In summary, the available evidence is currently insufficient to determine the role of this variant in disease. Therefore, it has been classified as a Variant of Uncertain Significance.

GeneDx
Classification: Uncertain significance. Last evaluated: 2024-03-20. Review status: criteria provided, single submitter. Criteria: GeneDx Variant Classification Process June 2021. Collection method: clinical testing. Allele origin: germline. Affected: yes.
Comment: Not observed at significant frequency in large population cohorts (gnomAD); In silico analysis supports that this missense variant does not alter protein structure/function; Has not been previously published as pathogenic or benign to our knowledge